The following is an entry in ClinVar:

NM_015506.3(MMACHC):c.364C>A (p.His122Asn)

Gene: MMACHC (metabolism of cobalamin associated C; plus strand). Cytogenetic location: 1p34.1.
Variant type: single nucleotide variant.
Coding change: c.364C>A on transcript NM_015506.3 (MANE Select); coding-DNA position 364, C replaced by A.
Protein change: p.His122Asn; replaces histidine 122 with asparagine.
Molecular consequence: missense variant.
Genome position (GRCh38, 1-based): chr1:45,508,299, C>A. VCF-style: chr1-45508299-C-A. GRCh37 (hg19) VCF-style: chr1-45973971-C-A.
Other names: p.His122Asn; c.193C>A, p.His65Asn (NM_001330540.2); short protein forms H122N, H65N.
Identifiers: ClinVar variation 557293 (VCV000557293.16), dbSNP rs372918203, ClinGen allele CA827717.
Genomic context (GRCh38, chr1:45,508,299, plus strand): 5'-ATTGCTGACTACGAGGTGCACCCCAACCGACGCCCCAAGATCCTGGCCCAGACAGCAGCC[C>A]ATGTAGCTGGGGCTGCTTACTACTACCAACGACAAGATGTGGAGGCTGACCCATGGGGGA-3'
Protein context (NP_056321.2, residues 112-132): RPKILAQTAA[His122Asn]VAGAAYYYQR

ClinVar aggregate classification (germline): Conflicting classifications of pathogenicity. Review status: criteria provided, conflicting classifications (1 of 4 stars). 9 submissions from 9 submitters: Likely pathogenic (3); Uncertain significance (4). 2 of the submissions do not count toward it. Last evaluated 2025-12-05.

Conditions:
MMACHC-related disorder. Also called: MMACHC-related condition.
Cobalamin C disease. Also called: methylmalonic aciduria and homocystinuria type cblC; Methylmalonic aciduria with homocystinuria cblC type; Methylmalonic aciduria and homocystinuria, Vitamin B12-responsive; Vitamin B12 metabolic defect with combined deficiency of methylmalonyl-CoA mutase and homocysteine:methyltetrahydrofolate methyltransferase; Cobalamin-C methylmalonic acidemia and homocystinuria; Methylmalonic acidemia and homocystinuria cblC type. Identifiers: Orphanet 26, Orphanet 79282, MedGen C1848561, MONDO:0010184, OMIM 277400.

Allele frequency attached by ClinVar (database versions not stated): ExAC 0.00004; gnomAD exomes 0.00004; ESP Exome Variant Server 0.00008; gnomAD 0.00011 and 0.00012; TOPMed 0.00014.
gnomAD v4.1: 40 of 1,614,184 alleles (0.0025%); highest among the groups gnomAD compares: African/African-American, 0.04%; no homozygotes.

Submissions (9):

Myriad Genetics, Inc.
Classification: Uncertain significance for Cobalamin C disease. Last evaluated: 2025-12-05. Review status: criteria provided, single submitter. Criteria: Myriad Autosomal Dominant, Autosomal Recessive and X-Linked Classification Criteria (2023). Collection method: clinical testing. Allele origin: unknown.
Comment: NM_015506.2(MMACHC):c.364C>A(H122N) is a missense variant classified as a variant of uncertain significance in the context of methylmalonic aciduria and homocystinuria, cblC type. H122N has been observed in a case with relevant disease (PMID: 28454995). Relevant functional assessments of this variant are not available in the literature. H122N has been observed in referenced population frequency databases. In summary, there is insufficient evidence to classify NM_015506.2(MMACHC):c.364C>A(H122N) as pathogenic or benign. Please note: this variant was assessed in the context of healthy population screening.

Women's Health and Genetics/Laboratory Corporation of America, LabCorp
Classification: Uncertain significance. Last evaluated: 2025-07-18. Review status: criteria provided, single submitter. Criteria: LabCorp Variant Classification Summary - May 2015. Collection method: clinical testing. Allele origin: germline.
Comment: Variant summary: MMACHC c.364C>A (p.His122Asn) results in a conservative amino acid change in the encoded protein sequence. Algorithms developed to predict the effect of missense changes on protein structure and function are either unavailable or do not agree on the potential impact of this missense change. The variant allele was found at a frequency of 4e-05 in 249448 control chromosomes. This frequency is not significantly higher than estimated for a pathogenic variant in MMACHC causing Methylmalonic Acidemia With Homocystinuria (4e-05 vs 0.0032), allowing no conclusion about variant significance. c.364C>A has been reported in a homozygous individual affected with congenital disorder of glycosylation type 1A & methylmalonic aciduria cblc deficiency (e.g. Alfares_2017). These data indicate that the variant may be associated with disease. To our knowledge, no experimental evidence demonstrating an impact on protein function has been reported. The following publication has been ascertained in the context of this evaluation (PMID: 28454995). ClinVar contains an entry for this variant (Variation ID: 557293). Based on the evidence outlined above, the variant was classified as VUS-possibly pathogenic.

3billion
Classification: Likely pathogenic for Cobalamin C disease. Last evaluated: 2025-01-06. Review status: criteria provided, single submitter. Criteria: ACMG Guidelines, 2015. Collection method: clinical testing. Allele origin: germline. Affected: yes.
Comment: The variant is observed at an extremely low frequency in the gnomAD v4.1.0 dataset (total allele frequency: 0.002%). Predicted Consequence/Location: Missense variant In silico tool predictions suggest damaging effect of the variant on gene or gene product [REVEL: 0.89 (>=0.6, sensitivity 0.68 and specificity 0.92); 3Cnet: 0.99 (>=0.6, sensitivity 0.72 and precision 0.9)]. The same nucleotide change resulting in the same amino acid change has been previously reported to be associated with MMACHC-related disorder (PMID: 28454995 /3billion dataset). Different missense changes at the same codon (p.His122Arg, p.His122Gln, p.His122Leu) have been reported as pathogenic/likely pathogenic with strong evidence (ClinVar ID: VCV001349817, VCV001518038 /PMID: 16311595, 19573432). Therefore, this variant is classified as Likely pathogenic according to the recommendation of ACMG/AMP guideline.

Mayo Clinic Laboratories, Mayo Clinic
Classification: Uncertain significance. Last evaluated: 2024-07-17. Review status: criteria provided, single submitter. Criteria: ACMG Guidelines, 2015. Collection method: clinical testing. Allele origin: germline. Observed: 1 variant allele.
Comment: PP3, PM2, PM3_supporting, PM5

Labcorp Genetics (formerly Invitae), Labcorp
Classification: Likely pathogenic for Cobalamin C disease. Last evaluated: 2024-02-06. Review status: criteria provided, single submitter. Criteria: Invitae Variant Classification Sherloc (09022015). Collection method: clinical testing. Allele origin: germline.
Comment: This sequence change replaces histidine, which is basic and polar, with asparagine, which is neutral and polar, at codon 122 of the MMACHC protein (p.His122Asn). This variant is present in population databases (rs372918203, gnomAD 0.05%). This missense change has been observed in individual(s) with MMACHC related conditions (PMID: 28454995). ClinVar contains an entry for this variant (Variation ID: 557293). Advanced modeling of protein sequence and biophysical properties (such as structural, functional, and spatial information, amino acid conservation, physicochemical variation, residue mobility, and thermodynamic stability) has been performed at Invitae for this missense variant, however the output from this modeling did not meet the statistical confidence thresholds required to predict the impact of this variant on MMACHC protein function. This variant disrupts the p.His122 amino acid residue in MMACHC. Other variant(s) that disrupt this residue have been determined to be pathogenic (PMID: 26253414, 31574870). This suggests that this residue is clinically significant, and that variants that disrupt this residue are likely to be disease-causing. In summary, the currently available evidence indicates that the variant is pathogenic, but additional data are needed to prove that conclusively. Therefore, this variant has been classified as Likely Pathogenic.

Fulgent Genetics
Classification: Uncertain significance for Cobalamin C disease. Last evaluated: 2024-01-31. Review status: criteria provided, single submitter. Criteria: ACMG Guidelines, 2015. Collection method: clinical testing. Allele origin: germline.

Blueprint Genetics
Classification: Likely pathogenic for MMACHC-related disorders. Last evaluated: 2021-12-14. Review status: criteria provided, single submitter. Criteria: ACMG Guidelines, 2015. Collection method: clinical testing. Allele origin: germline. Affected: yes. Observed: 1 variant allele.

Biochemical Molecular Genetic Laboratory, King Abdulaziz Medical City
Classification: Likely pathogenic for Cobalamin C disease. Last evaluated: 2019-09-26. Review status: no assertion criteria provided. Collection method: clinical testing. Allele origin: germline. Affected: yes. Not counted in ClinVar's aggregate classification.

Counsyl
Classification: Uncertain significance for Cobalamin C disease. Last evaluated: 2018-03-14. Review status: no assertion criteria provided. Collection method: clinical testing. Allele origin: unknown. Not counted in ClinVar's aggregate classification.

Literature cited by the submitters: PubMed 28454995 (cited by 6 submitters); PubMed 16311595 (cited by 3billion); PubMed 19700356 (cited by Mayo Clinic Laboratories, Mayo Clinic); PubMed 26253414 (cited by Labcorp Genetics (formerly Invitae), Labcorp); PubMed 31574870 (cited by Labcorp Genetics (formerly Invitae), Labcorp).